The following is an entry in ClinVar:

NM_001042492.3(NF1):c.6148-18_6148-17dup

Gene: NF1 (neurofibromin 1; plus strand). Cytogenetic location: 17q11.2.
Variant type: Duplication.
Coding change: c.6148-18_6148-17dup on transcript NM_001042492.3 (MANE Select); 18 bases into the intron before coding-DNA position 6148 through 17 bases into the intron before coding-DNA position 6148, 2 bases duplicated (AA; older notation c.6148-18_6148-17dupAA).
Molecular consequence: intron variant.
Genome position (GRCh38, 1-based): chr17:31,336,617-31,336,618, AA duplicated; duplicating any 2 consecutive bases within chr17:31,336,608-31,336,618 gives the same sequence; the c. name uses the placement nearest the transcript's 3' end. VCF-style (leftmost placement, unchanged base first): chr17-31336607-T-TAA. GRCh37 (hg19) VCF-style: chr17-29663625-T-TAA.
Other names: c.6085-18_6085-17dup (NM_000267.4).
Identifiers: ClinVar variation 928871 (VCV000928871.1), dbSNP rs33925668, ClinGen allele CA8487317.

ClinVar aggregate classification (germline): Benign (1 of 4 stars; one submission).

Submission:

Women's Health and Genetics/Laboratory Corporation of America, LabCorp
Classification: Benign. Last evaluated: 2019-09-02. Review status: criteria provided, single submitter. Criteria: LabCorp Variant Classification Summary - May 2015. Collection method: clinical testing. Allele origin: germline.
Comment: Variant summary: NF1 c.6085-18_6085-17dupAA alters a non-conserved nucleotide located close to a canonical splice site and therefore could affect mRNA splicing, leading to a significantly altered protein sequence. 5/5 computational tools predict no significant impact on normal splicing. However, these predictions have yet to be confirmed by functional studies. The variant allele was found at a frequency of 0.0015 in 139834 control chromosomes in the gnomAD database, including 3 homozygotes. The observed variant frequency is approximately 600 fold of the estimated maximal expected allele frequency for a pathogenic variant in NF1 causing Noonan Syndrome and Related Conditions phenotype (2.5e-06), strongly suggesting that the variant is benign. To our knowledge, no occurrence of c.6085-18_6085-17dupAA in individuals affected with Noonan Syndrome and Related Conditions and no experimental evidence demonstrating its impact on protein function have been reported. No submitters have provided clinical-significance assessments for this variant to ClinVar after 2014. Based on the evidence outlined above, the variant was classified as benign.

Literature cited by the submitters: PubMed 10678181; PubMed 23460398; PubMed 27069254.